The following is an entry in ClinVar:

NM_032861.4(SERAC1):c.1934G>A (p.Arg645His)

Gene: SERAC1 (serine active site containing 1; minus strand). Cytogenetic location: 6q25.3.
Variant type: single nucleotide variant.
Coding change: c.1934G>A on transcript NM_032861.4 (MANE Select); coding-DNA position 1934, G replaced by A.
Protein change: p.Arg645His; replaces arginine 645 with histidine.
Molecular consequence: missense variant.
Genome position (GRCh38, 1-based): chr6:158,111,397, C>T on the plus strand (G>A on the coding strand, the complement: SERAC1 is on the minus strand). VCF-style: chr6-158111397-C-T. GRCh37 (hg19) VCF-style: chr6-158532429-C-T.
Other names: c.1934G>A (NM_032861.3); short protein forms R645H.
Identifiers: ClinVar variation 2075763 (VCV002075763.8), dbSNP rs775296113, ClinGen allele CA4070905.

ClinVar aggregate classification (germline): Uncertain significance. Review status: criteria provided, multiple submitters, no conflicts (2 of 4 stars). 4 submissions from 4 submitters: Uncertain significance (4). Last evaluated 2025-09-17.

Conditions:
Inborn genetic diseases. Identifiers: MedGen C0950123, MeSH D030342.
3-methylglutaconic aciduria with deafness, encephalopathy, and Leigh-like syndrome (MEGDEL). Also called: 3-METHYLGLUTACONIC ACIDURIA, TYPE VI; SERAC1 Deficiency; MEGDEL syndrome. Identifiers: Orphanet 352328, MedGen C4040739, MONDO:0013875, OMIM 614739.

Allele frequency attached by ClinVar (database versions not stated): ExAC 0.00002; gnomAD 0.00007; TOPMed 0.00007.
gnomAD v4.1: 119 of 1,603,018 alleles (0.0074%); highest among the groups gnomAD compares: Non-Finnish European, 0.0092%; no homozygotes.

Submissions (4):

GeneDx
Classification: Uncertain significance. Last evaluated: 2025-09-17. Review status: criteria provided, single submitter. Criteria: GeneDx Variant Classification Process June 2021. Collection method: clinical testing. Allele origin: germline.
Comment: Not observed at significant frequency in large population cohorts (gnomAD); In silico analysis suggests that this missense variant does not alter protein structure/function; Has not been previously published as pathogenic or benign to our knowledge

Ambry Genetics
Classification: Uncertain significance for Inborn genetic diseases. Last evaluated: 2024-12-14. Review status: criteria provided, single submitter. Criteria: Ambry Variant Classification Scheme 2023. Collection method: clinical testing. Allele origin: germline.

Blueprint Genetics
Classification: Uncertain significance. Last evaluated: 2024-09-14. Review status: criteria provided, single submitter. Criteria: ACMG Guidelines, 2015. Collection method: clinical testing. Allele origin: germline.

Labcorp Genetics (formerly Invitae), Labcorp
Classification: Uncertain significance for 3-methylglutaconic aciduria with deafness, encephalopathy, and Leigh-like syndrome. Last evaluated: 2022-11-22. Review status: criteria provided, single submitter. Criteria: Invitae Variant Classification Sherloc (09022015). Collection method: clinical testing. Allele origin: germline.
Comment: In summary, the available evidence is currently insufficient to determine the role of this variant in disease. Therefore, it has been classified as a Variant of Uncertain Significance. Advanced modeling of protein sequence and biophysical properties (such as structural, functional, and spatial information, amino acid conservation, physicochemical variation, residue mobility, and thermodynamic stability) performed at Invitae indicates that this missense variant is not expected to disrupt SERAC1 protein function. This variant has not been reported in the literature in individuals affected with SERAC1-related conditions. This variant is present in population databases (rs775296113, gnomAD 0.004%). This sequence change replaces arginine, which is basic and polar, with histidine, which is basic and polar, at codon 645 of the SERAC1 protein (p.Arg645His).